The following is an entry in ClinVar:

NM_181776.3(SLC36A2):c.1204C>T (p.Arg402Cys)

Gene: SLC36A2 (solute carrier family 36 member 2; minus strand). Cytogenetic location: 5q33.1.
Variant type: single nucleotide variant.
Coding change: c.1204C>T on transcript NM_181776.3 (MANE Select); coding-DNA position 1204, C replaced by T.
Protein change: p.Arg402Cys; replaces arginine 402 with cysteine.
Molecular consequence: missense variant.
Genome position (GRCh38, 1-based): chr5:151,317,065, G>A on the plus strand (C>T on the coding strand, the complement: SLC36A2 is on the minus strand). VCF-style: chr5-151317065-G-A. GRCh37 (hg19) VCF-style: chr5-150696626-G-A.
Other names: short protein forms R402C.
Identifiers: ClinVar variation 4780139 (VCV004780139.2).

ClinVar aggregate classification (germline): Uncertain significance. Review status: criteria provided, multiple submitters, no conflicts (2 of 4 stars). 2 submissions from 2 submitters: Uncertain significance (2). Last evaluated 2026-09-01.

gnomAD v4.1: 42 of 1,614,102 alleles (0.0026%); highest among the groups gnomAD compares: African/African-American, 0.027%; no homozygotes.

Submissions (2):

CeGaT Center for Human Genetics Tuebingen
Classification: Uncertain significance. Last evaluated: 2026-09-01. Review status: criteria provided, single submitter. Criteria: CeGaT Center For Human Genetics Tuebingen Variant Classification Criteria Version 2. Collection method: clinical testing. Allele origin: germline. Affected: yes. Observed: 1 variant allele.

Labcorp Genetics (formerly Invitae), Labcorp
Classification: Uncertain significance. Last evaluated: 2025-07-29. Review status: criteria provided, single submitter. Criteria: Invitae Variant Classification Sherloc (09022015). Collection method: clinical testing. Allele origin: germline.
Comment: This sequence change replaces arginine, which is basic and polar, with cysteine, which is neutral and slightly polar, at codon 402 of the SLC36A2 protein (p.Arg402Cys). This variant is present in population databases (rs140956938, gnomAD 0.02%). This variant has not been reported in the literature in individuals affected with SLC36A2-related conditions. Invitae Evidence Modeling of protein sequence and biophysical properties (such as structural, functional, and spatial information, amino acid conservation, physicochemical variation, residue mobility, and thermodynamic stability) has been performed for this missense variant. However, the output from this modeling did not meet the statistical confidence thresholds required to predict the impact of this variant on SLC36A2 protein function. In summary, the available evidence is currently insufficient to determine the role of this variant in disease. Therefore, it has been classified as a Variant of Uncertain Significance.